The following is an entry in ClinVar:

ClinVar aggregate classification (germline): Uncertain significance. Review status: criteria provided, multiple submitters, no conflicts (2 of 4 stars). 2 submissions from 2 submitters: Uncertain significance (2). Last evaluated 2025-07-22.

Submissions (2):

Women's Health and Genetics/Laboratory Corporation of America, LabCorp
Classification: Uncertain significance. Last evaluated: 2025-07-22. Review status: criteria provided, single submitter. Criteria: LabCorp Variant Classification Summary - May 2015. Collection method: clinical testing. Allele origin: germline.
Comment: Variant summary: COL5A1 c.2290C>T (p.His764Tyr) results in a conservative amino acid change in the encoded protein sequence. Algorithms developed to predict the effect of missense changes on protein structure and function are either unavailable or do not agree on the potential impact of this missense change. The variant allele was found at a frequency of 8e-06 in 251376 control chromosomes. The available data on variant occurrences in the general population are insufficient to allow any conclusion about variant significance. To our knowledge, no occurrence of c.2290C>T in individuals affected with Ehlers-Danlos syndrome, classic type, Ehlers-Danlos syndrome, classic type, 1 and no experimental evidence demonstrating its impact on protein function have been reported. No submitters have cited clinical-significance assessments for this variant to ClinVar. Based on the evidence outlined above, the variant was classified as uncertain significance.

Blueprint Genetics
Classification: Uncertain significance. Last evaluated: 2022-04-11. Review status: criteria provided, single submitter. Criteria: ACMG Guidelines, 2015. Collection method: clinical testing. Allele origin: germline.

NM_000093.5(COL5A1):c.2290C>T (p.His764Tyr)

Gene: COL5A1 (collagen type V alpha 1 chain; plus strand). Cytogenetic location: 9q34.3.
Variant type: single nucleotide variant.
Coding change: c.2290C>T on transcript NM_000093.5 (MANE Select); coding-DNA position 2290, C replaced by T.
Protein change: p.His764Tyr; replaces histidine 764 with tyrosine.
Molecular consequence: missense variant.
Genome position (GRCh38, 1-based): chr9:134,772,793, C>T. VCF-style: chr9-134772793-C-T. GRCh37 (hg19) VCF-style: chr9-137664639-C-T.
Other names: c.2290C>T, p.His764Tyr (NM_001278074.1); short protein forms H764Y.
Identifiers: ClinVar variation 4526295 (VCV004526295.2).